The following is an entry in ClinVar:

ClinVar aggregate classification (germline): Uncertain significance (1 of 4 stars; one submission).

Allele frequency attached by ClinVar (database versions not stated): gnomAD 0.00001.

Submission:

Labcorp Genetics (formerly Invitae), Labcorp
Classification: Uncertain significance. Last evaluated: 2024-09-23. Review status: criteria provided, single submitter. Criteria: Invitae Variant Classification Sherloc (09022015). Collection method: clinical testing. Allele origin: germline.
Comment: This sequence change replaces glycine, which is neutral and non-polar, with arginine, which is basic and polar, at codon 5 of the TGFB1 protein (p.Gly5Arg). This variant is present in population databases (rs759113717, gnomAD 0.08%). This variant has not been reported in the literature in individuals affected with TGFB1-related conditions. ClinVar contains an entry for this variant (Variation ID: 1920364). An algorithm developed to predict the effect of missense changes on protein structure and function outputs the following: PolyPhen-2: "Not Available". The arginine amino acid residue is found in multiple mammalian species, which suggests that this missense change does not adversely affect protein function. In summary, the available evidence is currently insufficient to determine the role of this variant in disease. Therefore, it has been classified as a Variant of Uncertain Significance.

NM_000660.7(TGFB1):c.13G>C (p.Gly5Arg)

Gene: TGFB1 (transforming growth factor beta 1; minus strand). Cytogenetic location: 19q13.2.
Variant type: single nucleotide variant.
Coding change: c.13G>C on transcript NM_000660.7 (MANE Select); coding-DNA position 13, G replaced by C.
Protein change: p.Gly5Arg; replaces glycine 5 with arginine.
Molecular consequence: missense variant.
Genome position (GRCh38, 1-based): chr19:41,353,032, C>G on the plus strand (G>C on the coding strand, the complement: TGFB1 is on the minus strand). VCF-style: chr19-41353032-C-G. GRCh37 (hg19) VCF-style: chr19-41858937-C-G.
Other names: short protein forms G5R.
Identifiers: ClinVar variation 1920364 (VCV001920364.5), dbSNP rs759113717, ClinGen allele CA9460191.